The following is an entry in ClinVar:

ClinVar aggregate classification (germline): Likely pathogenic (1 of 4 stars; one submission).

Submission:

GeneDx
Classification: Likely pathogenic. Last evaluated: 2026-03-20. Review status: criteria provided, single submitter. Criteria: GeneDx Variant Classification Process June 2021. Collection method: clinical testing. Allele origin: germline.
Comment: In silico analysis supports a deleterious effect on splicing; Not observed at significant frequency in large population cohorts (gnomAD); Has not been previously published as pathogenic or benign to our knowledge

NM_021008.4(DEAF1):c.288A>G (p.Ala96=)

Gene: DEAF1 (DEAF1 transcription factor; minus strand). Cytogenetic location: 11p15.5.
Variant type: single nucleotide variant.
Coding change: c.288A>G on transcript NM_021008.4 (MANE Select); coding-DNA position 288, A replaced by G.
Protein change: p.Ala96=; no amino-acid change (alanine 96 retained).
Molecular consequence: synonymous variant. On other transcripts: intron variant (1).
Genome position (GRCh38, 1-based): chr11:694,760, T>C on the plus strand (A>G on the coding strand, the complement: DEAF1 is on the minus strand). VCF-style: chr11-694760-T-C. GRCh37 (hg19) VCF-style: chr11-694760-T-C.
Other names: c.288A>G, p.Ala96= (NM_001293634.2); c.-437-3162A>G (NM_001367390.1).
Identifiers: ClinVar variation 3769696 (VCV003769696.2).